The following is an entry in ClinVar:

NM_001267550.2(TTN):c.34863A>G (p.Glu11621=)

Gene: TTN (titin; minus strand). Cytogenetic location: 2q31.2.
Variant type: single nucleotide variant.
Coding change: c.34863A>G on transcript NM_001267550.2 (MANE Select); coding-DNA position 34863, A replaced by G.
Protein change: p.Glu11621=; no amino-acid change (glutamic acid 11621 retained).
Molecular consequence: synonymous variant. On other transcripts: intron variant (3).
Genome position (GRCh38, 1-based): chr2:178,672,474, T>C on the plus strand (A>G on the coding strand, the complement: TTN is on the minus strand). VCF-style: chr2-178672474-T-C. GRCh37 (hg19) VCF-style: chr2-179537201-T-C.
Other names: c.33741A>G, p.Glu11247= (NM_001256850.1); c.30960A>G, p.Glu10320= (NM_133378.4); c.13283-30157A>G (NM_003319.4); c.13859-30157A>G (NM_133437.4); c.13658-30157A>G (NM_133432.3).
Identifiers: ClinVar variation 1096781 (VCV001096781.11), dbSNP rs2067179453, ClinGen allele CA430278764.

ClinVar aggregate classification (germline): Likely benign. Review status: criteria provided, multiple submitters, no conflicts (2 of 4 stars). 3 submissions from 3 submitters: Likely benign (3). Last evaluated 2026-08-17.

Conditions:
Dilated cardiomyopathy 1G (CMD1G). Identifiers: Orphanet 154, MedGen C1858763, MONDO:0011400, OMIM 604145.
Autosomal recessive limb-girdle muscular dystrophy type 2J (LGMDR10). Also called: Limb-girdle muscular dystrophy, type 2J; MUSCULAR DYSTROPHY, LIMB-GIRDLE, AUTOSOMAL RECESSIVE 10. Identifiers: Orphanet 140922, MedGen C1837342, MONDO:0012127, OMIM 608807.
TTN-related disorder. Also called: TTN-related disorders; TTN-related condition; TTN-related disease.

gnomAD v4.1: 3 of 1,599,662 alleles (0.00019%); no homozygotes.

Submissions (3):

PreventionGenetics, part of Exact Sciences
Classification: Likely benign for TTN-related condition. Last evaluated: 2026-08-17. Review status: criteria provided, single submitter. Criteria: ACMG Guidelines, 2015. Collection method: clinical testing. Allele origin: germline.
Comment: This variant is classified as likely benign based on ACMG/AMP sequence variant interpretation guidelines (Richards et al. 2015 PMID: 25741868, with internal and published modifications).

Labcorp Genetics (formerly Invitae), Labcorp
Classification: Likely benign for Dilated cardiomyopathy 1G; Autosomal recessive limb-girdle muscular dystrophy type 2J. Last evaluated: 2025-09-10. Review status: criteria provided, single submitter. Criteria: Invitae Variant Classification Sherloc (09022015). Collection method: clinical testing. Allele origin: germline.

Blueprint Genetics
Classification: Likely benign. Last evaluated: 2023-11-30. Review status: criteria provided, single submitter. Criteria: ACMG Guidelines, 2015. Collection method: clinical testing. Allele origin: germline.